The following is an entry in ClinVar:

NM_004577.4(PSPH):c.379G>A (p.Ala127Thr)

Gene: PSPH (phosphoserine phosphatase; minus strand). Cytogenetic location: 7p11.2.
Variant type: single nucleotide variant.
Coding change: c.379G>A on transcript NM_004577.4 (MANE Select); coding-DNA position 379, G replaced by A.
Protein change: p.Ala127Thr; replaces alanine 127 with threonine.
Molecular consequence: missense variant.
Genome position (GRCh38, 1-based): chr7:56,017,276, C>T on the plus strand (G>A on the coding strand, the complement: PSPH is on the minus strand). VCF-style: chr7-56017276-C-T. GRCh37 (hg19) VCF-style: chr7-56084969-C-T.
Other names: c.379G>A, p.Ala127Thr (NM_001370503.1, NM_001370504.1, NM_001370505.1 and 17 more transcripts); short protein forms A127T.
Identifiers: ClinVar variation 2074117 (VCV002074117.4), dbSNP rs768449967, ClinGen allele CA4268655.
Genomic context (GRCh38, chr7:56,017,276, plus strand): 5'-TTACTGTTAACATCTTACCGTTAAAGTAGAATTTCAGCCTATTGGCAAATACATTGGTTG[C>T]TGGGATATTGAGCTTTGAAGCAACATGCTCTACAATACTCCTAAAGCCACCAGATATTAG-3'
Protein context (NP_004568.2, residues 117-137): EHVASKLNIP[Ala127Thr]TNVFANRLKF

ClinVar aggregate classification (germline): Uncertain significance (1 of 4 stars; one submission).

Conditions:
Deficiency of phosphoserine phosphatase (PSPHD). Also called: Phosphoserine phosphatase deficiency; PSPH deficiency. Identifiers: Orphanet 79350, MedGen C1291463, MONDO:0013531, OMIM 614023.

Allele frequency attached by ClinVar (database versions not stated): gnomAD exomes below 0.00001; ExAC 0.00001.

Submission:

Labcorp Genetics (formerly Invitae), Labcorp
Classification: Uncertain significance for Deficiency of phosphoserine phosphatase. Last evaluated: 2023-05-22. Review status: criteria provided, single submitter. Criteria: Invitae Variant Classification Sherloc (09022015). Collection method: clinical testing. Allele origin: germline.
Comment: In summary, the available evidence is currently insufficient to determine the role of this variant in disease. Therefore, it has been classified as a Variant of Uncertain Significance. Algorithms developed to predict the effect of missense changes on protein structure and function output the following: SIFT: "Not Available"; PolyPhen-2: "Benign"; Align-GVGD: "Not Available". The threonine amino acid residue is found in multiple mammalian species, which suggests that this missense change does not adversely affect protein function. ClinVar contains an entry for this variant (Variation ID: 2074117). This variant has not been reported in the literature in individuals affected with PSPH-related conditions. This variant is present in population databases (rs768449967, gnomAD 0.006%). This sequence change replaces alanine, which is neutral and non-polar, with threonine, which is neutral and polar, at codon 127 of the PSPH protein (p.Ala127Thr).